The following is an entry in ClinVar:

NM_001846.4(COL4A2):c.5070C>T (p.Ala1690=)

Gene: COL4A2 (collagen type IV alpha 2 chain; plus strand). Cytogenetic location: 13q34.
Variant type: single nucleotide variant.
Coding change: c.5070C>T on transcript NM_001846.4 (MANE Select); coding-DNA position 5070, C replaced by T.
Protein change: p.Ala1690=; no amino-acid change (alanine 1690 retained).
Molecular consequence: synonymous variant.
Genome position (GRCh38, 1-based): chr13:110,512,122, C>T. VCF-style: chr13-110512122-C-T. GRCh37 (hg19) VCF-style: chr13-111164469-C-T.
Identifiers: ClinVar variation 311196 (VCV000311196.39), dbSNP rs199809827, ClinGen allele CA7050765.

ClinVar aggregate classification (germline): Benign/Likely benign. Review status: criteria provided, multiple submitters, no conflicts (2 of 4 stars). 5 submissions from 5 submitters: Benign (3); Likely benign (2). Last evaluated 2026-05-01.

Conditions:
Brain small vessel disease 2A, autosomal dominant. Also called: Porencephaly 2. Identifiers: Orphanet 2940, Orphanet 99810, MedGen C3280970, MONDO:0013773, OMIM 614483.

Allele frequency attached by ClinVar (database versions not stated): ESP Exome Variant Server 0.00008; gnomAD 0.00009 and 0.00025; TOPMed 0.00017; gnomAD exomes 0.00025 and 0.00031; ExAC 0.00044; 1000 Genomes Project 30x 0.00078; 1000 Genomes Project 0.00100.

Submissions (5):

CeGaT Center for Human Genetics Tuebingen
Classification: Likely benign. Last evaluated: 2026-05-01. Review status: criteria provided, single submitter. Criteria: CeGaT Center For Human Genetics Tuebingen Variant Classification Criteria Version 2. Collection method: clinical testing. Allele origin: germline. Affected: yes. Observed: 4 variant alleles.
Comment: COL4A2: BP4, BP7

Labcorp Genetics (formerly Invitae), Labcorp
Classification: Benign. Last evaluated: 2025-12-15. Review status: criteria provided, single submitter. Criteria: Invitae Variant Classification Sherloc (09022015). Collection method: clinical testing. Allele origin: germline.

Blueprint Genetics
Classification: Likely benign. Last evaluated: 2024-05-24. Review status: criteria provided, single submitter. Criteria: ACMG Guidelines, 2015. Collection method: clinical testing. Allele origin: germline.

Illumina Laboratory Services, Illumina
Classification: Benign for Brain small vessel disease 2A, autosomal dominant. Last evaluated: 2018-03-06. Review status: criteria provided, single submitter. Criteria: ICSL Variant Classification Criteria 13 December 2019. Collection method: clinical testing. Allele origin: germline.
Comment: This variant was observed in the ICSL laboratory as part of a predisposition screen in an ostensibly healthy population. It had not been previously curated by ICSL or reported in the Human Gene Mutation Database (HGMD: prior to June 1st, 2018), and was therefore a candidate for classification through an automated scoring system. Utilizing variant allele frequency, disease prevalence and penetrance estimates, and inheritance mode, an automated score was calculated to assess if this variant is too frequent to cause the disease. Based on the score and internal cut-off values, a variant classified as benign is not then subjected to further curation. The score for this variant resulted in a classification of benign for this disease.

Breakthrough Genomics
Classification: Benign. Review status: criteria provided, single submitter. Criteria: ACMG Guidelines, 2015. Collection method: not provided. Allele origin: germline. Inheritance: Autosomal dominant inheritance. Affected: yes.